The following is an entry in ClinVar:

NM_004807.3(HS6ST1):c.198G>A (p.Lys66=)

Gene: HS6ST1 (heparan sulfate 6-O-sulfotransferase 1; minus strand). Cytogenetic location: 2q14.3.
Variant type: single nucleotide variant.
Coding change: c.198G>A on transcript NM_004807.3 (MANE Select); coding-DNA position 198, G replaced by A.
Protein change: p.Lys66=; no amino-acid change (lysine 66 retained).
Molecular consequence: synonymous variant.
Genome position (GRCh38, 1-based): chr2:128,318,366, C>T on the plus strand (G>A on the coding strand, the complement: HS6ST1 is on the minus strand). VCF-style: chr2-128318366-C-T. GRCh37 (hg19) VCF-style: chr2-129075940-C-T.
Identifiers: ClinVar variation 3036210 (VCV003036210.2), dbSNP rs759982406, ClinGen allele CA1867664.

ClinVar aggregate classification (germline): Likely benign (0 of 4 stars; one submission).

Conditions:
HS6ST1-related disorder. Also called: HS6ST1-related condition.

Allele frequency attached by ClinVar (database versions not stated): ExAC 0.00001; gnomAD 0.00001.

Submission:

PreventionGenetics, part of Exact Sciences
Classification: Likely benign for HS6ST1-related condition. Last evaluated: 2022-03-31. Review status: no assertion criteria provided. Collection method: clinical testing. Allele origin: germline.
Comment: This variant is classified as likely benign based on ACMG/AMP sequence variant interpretation guidelines (Richards et al. 2015 PMID: 25741868, with internal and published modifications).